The following is an entry in ClinVar:

NM_002769.5(PRSS1):c.488C>T (p.Ala163Val)

Genes: TRB (T cell receptor beta locus; plus strand), PRSS1 (serine protease 1; plus strand). Cytogenetic location: 7q34.
Variant type: single nucleotide variant.
Coding change: c.488C>T on transcript NM_002769.5 (MANE Select); coding-DNA position 488, C replaced by T.
Protein change: p.Ala163Val; replaces alanine 163 with valine.
Molecular consequence: missense variant. On other transcripts: non-coding transcript variant (5).
Genome position (GRCh38, 1-based): chr7:142,752,464, C>T. VCF-style: chr7-142752464-C-T. GRCh37 (hg19) VCF-style: chr7-142460315-C-T.
Other names: short protein forms A163V.
Identifiers: ClinVar variation 2787400 (VCV002787400.3), dbSNP rs1798827683, ClinGen allele CA369609502.
Genomic context (GRCh38, chr7:142,752,464, plus strand): 5'-CCTTTGATCTCTTCCTGATCCTCACAGCCGACTACCCAGACGAGCTGCAGTGCCTGGATG[C>T]TCCTGTGCTGAGCCAGGCTAAGTGTGAAGCCTCCTACCCTGGAAAGATTACCAGCAACAT-3'
Protein context (NP_002760.1, residues 153-173): DYPDELQCLD[Ala163Val]PVLSQAKCEA

ClinVar aggregate classification (germline): Uncertain significance (1 of 4 stars; one submission).

Conditions:
Hereditary pancreatitis (PCTT). Also called: Hereditary chronic pancreatitis; PRSS1-Related Hereditary Pancreatitis. Identifiers: Orphanet 676, MedGen C0238339, MONDO:0008185, OMIM 167800.

Submission:

Labcorp Genetics (formerly Invitae), Labcorp
Classification: Uncertain significance for Hereditary pancreatitis. Last evaluated: 2024-01-25. Review status: criteria provided, single submitter. Criteria: Invitae Variant Classification Sherloc (09022015). Collection method: clinical testing. Allele origin: germline.
Comment: This sequence change replaces alanine, which is neutral and non-polar, with valine, which is neutral and non-polar, at codon 163 of the PRSS1 protein (p.Ala163Val). This variant is not present in population databases (gnomAD no frequency). This variant has not been reported in the literature in individuals affected with PRSS1-related conditions. Advanced modeling of protein sequence and biophysical properties (such as structural, functional, and spatial information, amino acid conservation, physicochemical variation, residue mobility, and thermodynamic stability) performed at Invitae indicates that this missense variant is not expected to disrupt PRSS1 protein function with a negative predictive value of 80%. In summary, the available evidence is currently insufficient to determine the role of this variant in disease. Therefore, it has been classified as a Variant of Uncertain Significance.